The following is an entry in ClinVar:

NC_012920.1(MT-ATP8):m.8529G>A

Genes: MT-ATP6 (mitochondrially encoded ATP synthase 6; plus strand), MT-ATP8 (mitochondrially encoded ATP synthase 8; plus strand).
Variant type: single nucleotide variant.
Genome position: chrM-8529-G-A.
Other names: W55*.
Identifiers: ClinVar variation 9639 (VCV000009639.4), dbSNP rs267606881, ClinGen allele CA120593.
Genomic context (GRCh38, chrMT:8,529, plus strand): 5'-TACCTCCCTCACCAAAGCCCATAAAAATAAAAAATTATAACAAACCCTGAGAACCAAAAT[G>A]AACGAAAATCTGTTCGCTTCATTCATTGCCCCCACAATCCTAGGCCTACCCGCCGCAGTA-3'

ClinVar aggregate classification (germline): Uncertain significance. Review status: reviewed by expert panel (3 of 4 stars). 2 submissions from 2 submitters: Uncertain significance (1). 1 of the submissions does not count toward it. Last evaluated 2024-08-12.

Conditions:
Mitochondrial disease. Also called: Mitochondrial disorder; Mitochondrial disorders. Identifiers: Orphanet 68380, MedGen C0751651, MeSH D028361, MONDO:0044970.
Cardiomyopathy, apical hypertrophic, and neuropathy. Identifiers: MedGen CN069323.

Submissions (2):

ClinGen Mitochondrial Disease Nuclear and Mitochondrial  Variant Curation Expert Panel, ClinGen
Classification: Uncertain significance for Mitochondrial disease. Last evaluated: 2024-08-12. Review status: reviewed by expert panel. Criteria: clingen mito disease acmg specifications v1-1. Collection method: curation. Allele origin: germline. Inheritance: Mitochondrial inheritance.
Comment: The m.8529G>A variant (resulting in p.Trp55X in MT-ATP8 and p.M1M in MT-ATP6) has been reported in one individual with primary mitochondrial disease (PMID: 17953552). The variant was present at homoplasmy in muscle and fibroblasts. Although not included in this curation given additional details are not available, we are aware of one additional case by personal communication with ataxia and spastic paraplegia. There are no reported de novo occurrences of this variant to our knowledge. There are no reports of large families with this variant segregating with disease. This variant is absent in the GenBank dataset, Helix dataset, and gnomAD v3.1.2 (PM2_supporting). There are no in silico predictors for this type of variant in mitochondrial DNA. Cybrid studies showed that the homoplasmic mutant clones had statistically significant decreases in Complex V activity (PS3_supporting, PMID: 17954552). In summary, this variant meets criteria to be classified as uncertain significance for primary mitochondrial disease inherited in a mitochondrial manner. This classification was approved by the NICHD/NINDS U24 ClinGen Mitochondrial Disease Variant Curation Expert Panel on August 12, 2024. Mitochondrial DNA-specific ACMG/AMP criteria applied (PMID: 32906214): PS3_supporting, PM2_supporting.

OMIM
Classification: Pathogenic for CARDIOMYOPATHY, APICAL HYPERTROPHIC, AND NEUROPATHY. Last evaluated: 2008-03-01. Review status: no assertion criteria provided. Collection method: literature only. Allele origin: germline. Not counted in ClinVar's aggregate classification.

Literature cited by the submitters: PubMed 17954552 (cited by OMIM).